The following is an entry in ClinVar:

GRCh38/hg38 22q13.31-13.33(chr22:46065705-50739836)x1

Genes: MIOX (myo-inositol oxygenase; plus strand), MIR12114 (microRNA 12114; plus strand), MIR4535 (microRNA 4535; plus strand), MIRLET7B (microRNA let-7b; plus strand), MIRLET7BHG (MIRLET7B and MIRLET7A3 host gene; plus strand) and 313 more. Cytogenetic location: 22q13.31-13.33.
Variant type: copy number loss.
Change: copy number 1 (one copy instead of two) of chr22:46,065,705-50,739,836 (4.67 Mb, GRCh38 coordinates, 1-based), cytogenetic band 22q13.31-13.33.
Identifiers: ClinVar variation 57398 (VCV000057398.1).

ClinVar aggregate classification (germline): Pathogenic (1 of 4 stars; one submission).

Submission:

ISCA site 4
Classification: Pathogenic. Last evaluated: 2011-08-12. Review status: criteria provided, single submitter. Criteria: Kaminsky et al. (Genet Med. 2011). Collection method: clinical testing. Allele origin: unknown. Affected: yes. Observed: 1 variant allele.
Comment: Copy number variation identified through the course of routine clinical cytogenomic testing in postnatal populations. Clinical assertions have been curated as described in Kaminsky et al. 2011.